The following is an entry in ClinVar:

ClinVar aggregate classification (germline): Pathogenic. Review status: reviewed by expert panel (3 of 4 stars). 13 submissions from 13 submitters: Pathogenic (1). 12 of the submissions do not count toward it. Last evaluated 2017-03-17.

Conditions:
CFTR-related disorder (CFTR-RD). Also called: CFTR-related disorders; CFTR-related condition. Identifiers: MedGen C5924204, MONDO:7770004.
Cystic fibrosis (CF). Also called: MUCOVISCIDOSIS. Identifiers: Orphanet 586, MedGen C0010674, MONDO:0009061, OMIM 219700. Disease mechanism: loss of function.
Bronchiectasis with or without elevated sweat chloride 1 (BESC1). Also called: Cystic Fibrosis-Like Syndrome. Identifiers: Orphanet 60033, MedGen C2749757, MONDO:0008887, OMIM 211400.

Allele frequency attached by ClinVar (database versions not stated): TOPMed below 0.00001; ExAC 0.00001; gnomAD exomes below 0.00001.

Submissions (13):

CFTR2
Classification: Pathogenic for Cystic fibrosis. Last evaluated: 2017-03-17. Review status: reviewed by expert panel. Criteria: Sosnay PR et al. (Nat Genet 2013). Collection method: research. Allele origin: germline. Affected: yes. Study: CFTR2.

Natera, Inc.
Classification: Pathogenic for CFTR-related disorders. Last evaluated: 2026-01-05. Review status: criteria provided, single submitter. Criteria: Natera Variant Classification Schema (03/2026). Collection method: clinical testing. Allele origin: germline. Not counted in ClinVar's aggregate classification.
Comment: The c.2215delG variant in CFTR is a frameshift variant predicted to shift the reading frame beginning at codon 739 and leads to a stop codon 16 codons downstream. This variant is expected to result in nonsense mediated decay, truncation, or a dysfunctional protein product. This variant is rare in the general population with a frequency below the threshold expected for the associated phenotype(s). This variant has been observed in one or more individuals affected with the associated recessive disease, as either homozygous or compound heterozygous with a second variant (PMID: 21719483, 17137500). Given the available evidence, this variant is classified as Pathogenic.

PreventionGenetics, part of Exact Sciences
Classification: Pathogenic for CFTR-related condition. Last evaluated: 2025-12-17. Review status: criteria provided, single submitter. Criteria: ACMG Guidelines, 2015. Collection method: clinical testing. Allele origin: germline. Not counted in ClinVar's aggregate classification.
Comment: The CFTR c.2215delG variant is predicted to result in a frameshift and premature protein termination (p.Val739Tyrfs*16). This variant, also described as 2347delG using legacy nomenclature, has been reported in the compound heterozygous or presumed compound heterozygous state in multiple individuals with cystic fibrosis (CF; Liechti et al. 1999. PubMed ID: 10439967; Supplementary Table 2, Sosnay et al. 2013. PubMed ID: 23974870; Soltysova et al. 2017. PubMed ID: 28544683; Claustres et al. 2017. PubMed ID: 28603918; Table S1, Raraigh et al. 2021. PubMed ID: 34782259; CFTR2; CFTR-France). This variant has also been reported in the compound heterozygous state with a uncertain CFTR variant in an individual with bronchiectasis (CFTR-France). This variant is reported in 0.0033% of alleles in individuals of South Asian descent in gnomAD. Frameshift variants in CFTR are expected to be pathogenic. This variant is interpreted as pathogenic.

Labcorp Genetics (formerly Invitae), Labcorp
Classification: Pathogenic for Cystic fibrosis. Last evaluated: 2025-11-23. Review status: criteria provided, single submitter. Criteria: Invitae Variant Classification Sherloc (09022015). Collection method: clinical testing. Allele origin: germline. Not counted in ClinVar's aggregate classification.
Comment: This sequence change creates a premature translational stop signal (p.Val739Tyrfs*16) in the CFTR gene. It is expected to result in an absent or disrupted protein product. Loss-of-function variants in CFTR are known to be pathogenic (PMID: 1695717, 7691345, 9725922). This variant is present in population databases (rs397508353, gnomAD 0.003%). This premature translational stop signal has been observed in individual(s) with cystic fibrosis and pancreatic insufficiency (PMID: 10439967, 22658665, 23974870). This variant is also known as c.2347delG. ClinVar contains an entry for this variant (Variation ID: 53455). For these reasons, this variant has been classified as Pathogenic.

Baylor Genetics
Classification: Pathogenic for Bronchiectasis with or without elevated sweat chloride 1. Last evaluated: 2024-03-02. Review status: criteria provided, single submitter. Criteria: ACMG Guidelines, 2015. Collection method: clinical testing. Allele origin: unknown. Not counted in ClinVar's aggregate classification.

CeGaT Center for Human Genetics Tuebingen
Classification: Pathogenic. Last evaluated: 2024-02-01. Review status: criteria provided, single submitter. Criteria: CeGaT Center For Human Genetics Tuebingen Variant Classification Criteria Version 2. Collection method: clinical testing. Allele origin: germline. Affected: yes. Observed: 1 variant allele. Not counted in ClinVar's aggregate classification.
Comment: CFTR: PVS1, PM2, PM3

Women's Health and Genetics/Laboratory Corporation of America, LabCorp
Classification: Pathogenic for Cystic fibrosis. Last evaluated: 2020-01-19. Review status: criteria provided, single submitter. Criteria: LabCorp Variant Classification Summary - May 2015. Collection method: clinical testing. Allele origin: germline. Not counted in ClinVar's aggregate classification.
Comment: Variant summary: CFTR c.2215delG (p.Val739TyrfsX16) results in a premature termination codon, predicted to cause a truncation of the encoded protein or absence of the protein due to nonsense mediated decay, which are commonly known mechanisms for disease. Truncations downstream of this position have been classified as pathogenic by our laboratory. The variant allele was found at a frequency of 4e-06 in 251182 control chromosomes. c.2215delG has been well reported in the literature in multiple individuals affected with Cystic Fibrosis (example, Sosnay_2013). These data indicate that the variant is very likely to be associated with disease. No experimental evidence demonstrating an impact on protein function was ascertained. Two clinical diagnostic laboratories and one expert panel (CFTR2) have submitted clinical-significance assessments for this variant to ClinVar after 2014 without evidence for independent evaluation. All submitters classified the variant as pathogenic. Based on the evidence outlined above, the variant was classified as pathogenic.

Mendelics
Classification: Pathogenic for Cystic fibrosis. Last evaluated: 2018-11-05. Review status: criteria provided, single submitter. Criteria: Mendelics Assertion Criteria 2017. Collection method: clinical testing. Allele origin: unknown. Affected: yes. Not counted in ClinVar's aggregate classification.

CFTR-France
Classification: Pathogenic for cystic fibrosis. Last evaluated: 2018-01-29. Review status: criteria provided, single submitter. Criteria: Claustres M et al. (Hum Mutat 2017). Collection method: curation. Allele origin: germline. Affected: yes. Not counted in ClinVar's aggregate classification.

Ambry Genetics
Classification: Pathogenic for Cystic fibrosis. Last evaluated: 2017-07-14. Review status: criteria provided, single submitter. Criteria: Ambry Variant Classification Scheme 2023. Collection method: clinical testing. Allele origin: germline. Not counted in ClinVar's aggregate classification.
Comment: The c.2215delG pathogenic mutation, located in coding exon 14 of the CFTR gene, results from a deletion of one nucleotide at nucleotide position 2215, causing a translational frameshift with a predicted alternate stop codon (p.V739Yfs*16). This mutation was identified in one individual with cystic fibrosis; however, complete genotype information was not provided (Soltysova A et al. Clin Respir J, 2017 May;doi: 10.1111/crj.12651. [Epub ahead of print]). This mutation is associated with pancreatic insufficiency and elevated sweat chloride levels (Sosnay PR et al. Nat. Genet., 2013 Oct;45:1160-7). In addition to the clinical data presented in the literature, this alteration is expected to result in loss of function by premature protein truncation or nonsense-mediated mRNA decay. As such, this alteration is interpreted as a disease-causing mutation. This amino acid position is well conserved in available vertebrate species.

Counsyl
Classification: Pathogenic for Cystic fibrosis. Last evaluated: 2016-04-28. Review status: no assertion criteria provided. Collection method: clinical testing. Allele origin: unknown. Not counted in ClinVar's aggregate classification.

Diagnostic Laboratory, Department of Genetics, University Medical Center Groningen
Classification: Pathogenic. Review status: no assertion criteria provided. Collection method: clinical testing. Allele origin: germline. Affected: yes. Study: VKGL Data-share Consensus. Not counted in ClinVar's aggregate classification.

Joint Genome Diagnostic Labs from Nijmegen and Maastricht, Radboudumc and MUMC+
Classification: Pathogenic. Review status: no assertion criteria provided. Collection method: clinical testing. Allele origin: germline. Affected: yes. Study: VKGL Data-share Consensus. Not counted in ClinVar's aggregate classification.

Literature cited by the submitters: PubMed 21719483 (cited by Natera, Inc.); PubMed 17137500 (cited by Natera, Inc.); PubMed 1695717 (cited by Labcorp Genetics (formerly Invitae), Labcorp); PubMed 7691345 (cited by Labcorp Genetics (formerly Invitae), Labcorp); PubMed 9725922 (cited by Labcorp Genetics (formerly Invitae), Labcorp); PubMed 10439967 (cited by Labcorp Genetics (formerly Invitae), Labcorp); PubMed 22658665 (cited by Labcorp Genetics (formerly Invitae), Labcorp); PubMed 23974870 (cited by 4 submitters); PubMed 25826586 (cited by Ambry Genetics); PubMed 28544683 (cited by Ambry Genetics); PubMed 7509685 (cited by Ambry Genetics).

NM_000492.4(CFTR):c.2215del (p.Val739fs)

Gene: CFTR (CF transmembrane conductance regulator; plus strand). Cytogenetic location: 7q31.2.
Variant type: Deletion.
Coding change: c.2215del on transcript NM_000492.4 (MANE Select); coding-DNA position 2215, one base deleted (G; older notation c.2215delG).
Protein change: p.Val739fs; shifts the reading frame from valine 739.
Molecular consequence: frameshift variant.
Genome position (GRCh38, 1-based): chr7:117,592,382, G deleted. VCF-style (leftmost placement, unchanged base first): chr7-117592381-AG-A. GRCh37 (hg19) VCF-style: chr7-117232435-AG-A.
Other names: 2347delG; c.2215delG (NM_000492.3); short protein forms V739fs.
Identifiers: ClinVar variation 53455 (VCV000053455.45), dbSNP rs397508353, ClinGen allele CA328097.
Genomic context (GRCh38, chr7:117,592,381, plus strand): 5'-CTTACAAATGAATGGCATCGAAGAGGATTCTGATGAGCCTTTAGAGAGAAGGCTGTCCTT[AG>A]TACCAGATTCTGAGCAGGGAGAGGCGATACTGCCTCGCATCAGCGTGATCAGCACTGGCC-3'